The following is an entry in ClinVar:

NM_001374736.1(DST):c.7651G>A (p.Glu2551Lys)

Gene: DST (dystonin; minus strand). Cytogenetic location: 6p12.1.
Variant type: single nucleotide variant.
Coding change: c.7651G>A on transcript NM_001374736.1 (MANE Select); coding-DNA position 7651, G replaced by A.
Protein change: p.Glu2551Lys; replaces glutamic acid 2551 with lysine.
Molecular consequence: missense variant. On other transcripts: intron variant (6).
Genome position (GRCh38, 1-based): chr6:56,606,977, C>T on the plus strand (G>A on the coding strand, the complement: DST is on the minus strand). VCF-style: chr6-56606977-C-T. GRCh37 (hg19) VCF-style: chr6-56471775-C-T.
Other names: c.7651G>A, p.Glu2551Lys (NM_001374722.1); c.7018G>A, p.Glu2340Lys (NM_001374729.1); c.7678G>A, p.Glu2560Lys (NM_001374734.1); c.5184+3450G>A (NM_001144769.5); c.4770+3450G>A (NM_001144770.2); c.4650+3450G>A (NM_001374730.1, NM_001386100.1, NM_183380.4); c.3672+3450G>A (NM_015548.5); short protein forms E2340K, E2551K, E2560K.
Identifiers: ClinVar variation 3026668 (VCV003026668.22), dbSNP rs2536418867, ClinGen allele CA364552703.
Genomic context (GRCh38, chr6:56,606,977, plus strand): 5'-TGGCATTATCAGTATCACCCCCTGGAGTCACAGCACAGGAATACTCTTCTATTTCAGACT[C>T]ATCTTCCTTGTCTTCAGGCATCTGCTGAAAACCTGGATGTGTTTTTTCATCCTCACCAGA-3'
Protein context (NP_001361665.1, residues 2541-2561): FQQMPEDKED[Glu2551Lys]SEIEEYSCAV

ClinVar aggregate classification (germline): Uncertain significance (1 of 4 stars; one submission).

Allele frequency attached by ClinVar (database versions not stated): gnomAD exomes 0.00001.
gnomAD v4.1: 10 of 1,613,484 alleles (0.00062%); highest among the groups gnomAD compares: Non-Finnish European, 0.00085%; no homozygotes.

Submission:

CeGaT Center for Human Genetics Tuebingen
Classification: Uncertain significance. Last evaluated: 2023-12-01. Review status: criteria provided, single submitter. Criteria: CeGaT Center For Human Genetics Tuebingen Variant Classification Criteria Version 2. Collection method: clinical testing. Allele origin: germline. Affected: yes. Observed: 1 variant allele.
Comment: DST: PM2, BP1, BP4